The following is an entry in ClinVar:

NM_000048.4(ASL):c.381G>C (p.Gln127His)

Gene: ASL (argininosuccinate lyase; plus strand). Cytogenetic location: 7q11.21.
Variant type: single nucleotide variant.
Coding change: c.381G>C on transcript NM_000048.4 (MANE Select); coding-DNA position 381, G replaced by C.
Protein change: p.Gln127His; replaces glutamine 127 with histidine.
Molecular consequence: missense variant.
Genome position (GRCh38, 1-based): chr7:66,083,109, G>C. VCF-style: chr7-66083109-G-C. GRCh37 (hg19) VCF-style: chr7-65548096-G-C.
Other names: c.381G>C, p.Gln127His (NM_001024943.2, NM_001024944.2, NM_001024946.2); short protein forms Q127H.
Identifiers: ClinVar variation 3345849 (VCV003345849.1).

ClinVar aggregate classification (germline): Uncertain significance (0 of 4 stars; one submission).

Conditions:
ASL-related disorder. Also called: ASL-related condition.

Submission:

PreventionGenetics, part of Exact Sciences
Classification: Uncertain significance for ASL-related condition. Last evaluated: 2024-04-30. Review status: no assertion criteria provided. Collection method: clinical testing. Allele origin: germline.
Comment: The ASL c.381G>C variant is predicted to result in the amino acid substitution p.Gln127His. To our knowledge, this variant has not been reported in the literature or in a large population database, indicating this variant is rare. At this time, the clinical significance of this variant is uncertain due to the absence of conclusive functional and genetic evidence.